The following is an entry in ClinVar:

NM_001165963.4(SCN1A):c.4744G>C (p.Val1582Leu)

Genes: SCN1A (sodium voltage-gated channel alpha subunit 1; minus strand), LOC102724058 (uncharacterized LOC102724058; plus strand). Cytogenetic location: 2q24.3.
Variant type: single nucleotide variant.
Coding change: c.4744G>C on transcript NM_001165963.4 (MANE Select); coding-DNA position 4744, G replaced by C.
Protein change: p.Val1582Leu; replaces valine 1582 with leucine.
Molecular consequence: missense variant. On other transcripts: non-coding transcript variant (1).
Genome position (GRCh38, 1-based): chr2:165,994,254, C>G on the plus strand (G>C on the coding strand, the complement: SCN1A is on the minus strand). VCF-style: chr2-165994254-C-G. GRCh37 (hg19) VCF-style: chr2-166850764-C-G.
Other names: p.V1582L:GTG>CTG; c.4660G>C, p.Val1554Leu (NM_001165964.3, NM_001353957.2, NM_001353958.2); c.4744G>C, p.Val1582Leu (NM_001202435.3, NM_001353948.2); c.4711G>C, p.Val1571Leu (NM_001353949.2, NM_001353950.2, NM_001353951.2 and 2 more transcripts); c.4708G>C, p.Val1570Leu (NM_001353954.2, NM_001353955.2); c.4657G>C, p.Val1553Leu (NM_001353960.2); c.2302G>C, p.Val768Leu (NM_001353961.2); short protein forms V1571L, V1582L, V1554L, V768L, V1553L, V1570L.
Identifiers: ClinVar variation 206846 (VCV000206846.2), dbSNP rs779090130, ClinGen allele CA317529.

ClinVar aggregate classification (germline): Uncertain significance (1 of 4 stars; one submission).

Submission:

GeneDx
Classification: Uncertain significance. Last evaluated: 2018-08-08. Review status: criteria provided, single submitter. Criteria: GeneDx Variant Classification (06012015). Collection method: clinical testing. Allele origin: germline. Affected: yes.
Comment: p.Val1582Leu (GTG>CTG): c.4744 G>C in exon 25 of the SCN1A gene (NM_001165963.1) The Val1582Leu missense change has not been published as a mutation, nor has it been reported as a benign polymorphism to our knowledge. It was not observed in approximately 6,500 individuals of European and African American ancestry in the NHLBI Exome Sequencing Project, indicating it is not a common benign variant in these populations. Val1582Leu is a conservative amino acid substitution as both Valine and Leucine are uncharged, non-polar residues. The variant occurs in the 2nd segment of the 4th transmembrane domain at a position that is not conserved across species. In silico algorithms are not consistent in their prediction of whether or not Val1582Leu is possibly damaging to the structure/function of the SCN1A protein. Therefore, based on the currently available information, it is unclear whether Val1582Leu is a disease-causing mutation or a rare benign variant.The variant is found in INFANT-EPI panel(s).